The following is an entry in ClinVar:

NM_001348716.2(KDM6B):c.575G>A (p.Arg192Gln)

Gene: KDM6B (lysine demethylase 6B; plus strand). Cytogenetic location: 17p13.1.
Variant type: single nucleotide variant.
Coding change: c.575G>A on transcript NM_001348716.2 (MANE Select); coding-DNA position 575, G replaced by A.
Protein change: p.Arg192Gln; replaces arginine 192 with glutamine.
Molecular consequence: missense variant.
Genome position (GRCh38, 1-based): chr17:7,846,604, G>A. VCF-style: chr17-7846604-G-A. GRCh37 (hg19) VCF-style: chr17-7749922-G-A.
Other names: c.575G>A (NM_001080424.1); c.575G>A, p.Arg192Gln (NM_001080424.2); short protein forms R192Q.
Identifiers: ClinVar variation 2433085 (VCV002433085.5), dbSNP rs898090763, ClinGen allele CA287511543.

ClinVar aggregate classification (germline): Uncertain significance. Review status: criteria provided, single submitter (1 of 4 stars). 2 submissions from 2 submitters: Uncertain significance (1). 1 of the submissions does not count toward it. Last evaluated 2021-12-29.

Conditions:
KDM6B-related disorder. Also called: KDM6B-related condition.
Neurodevelopmental disorder with coarse facies and mild distal skeletal abnormalities. Also called: STOLERMAN NEURODEVELOPMENTAL SYNDROME. Identifiers: MedGen C5193134, MONDO:0032790, OMIM 618505.

Allele frequency attached by ClinVar (database versions not stated): gnomAD 0.00001.
gnomAD v4.1: 41 of 1,613,978 alleles (0.0025%); highest among the groups gnomAD compares: South Asian, 0.0033%; no homozygotes.

Submissions (2):

Revvity Omics, Revvity
Classification: Uncertain significance for Neurodevelopmental disorder with coarse facies and mild distal skeletal abnormalities. Last evaluated: 2021-12-29. Review status: criteria provided, single submitter. Criteria: ACMG Guidelines, 2015. Collection method: clinical testing. Allele origin: germline.

PreventionGenetics, part of Exact Sciences
Classification: Uncertain significance for KDM6B-related condition. Last evaluated: 2023-12-28. Review status: no assertion criteria provided. Collection method: clinical testing. Allele origin: germline. Not counted in ClinVar's aggregate classification.
Comment: The KDM6B c.575G>A variant is predicted to result in the amino acid substitution p.Arg192Gln. To our knowledge, this variant has not been reported in the literature or in a large population database, indicating this variant is rare. At this time, the clinical significance of this variant is uncertain due to the absence of conclusive functional and genetic evidence.